The following is an entry in ClinVar:

ClinVar aggregate classification (germline): Uncertain significance. Review status: criteria provided, multiple submitters, no conflicts (2 of 4 stars). 3 submissions from 3 submitters: Uncertain significance (3). Last evaluated 2025-11-25.

Conditions:
Cystic fibrosis (CF). Also called: MUCOVISCIDOSIS. Identifiers: Orphanet 586, MedGen C0010674, MONDO:0009061, OMIM 219700. Disease mechanism: loss of function.

Allele frequency attached by ClinVar (database versions not stated): gnomAD exomes below 0.00001; gnomAD 0.00001.
gnomAD v4.1: 2 of 1,613,894 alleles (0.00012%); highest among the groups gnomAD compares: Admixed American, 0.0033%; no homozygotes.

Submissions (3):

Ambry Genetics
Classification: Uncertain significance for Cystic fibrosis. Last evaluated: 2025-11-25. Review status: criteria provided, single submitter. Criteria: Ambry Variant Classification Scheme 2023. Collection method: clinical testing. Allele origin: germline.
Comment: The p.L1346Q variant (also known as c.4037T>A), located in coding exon 25 of the CFTR gene, results from a T to A substitution at nucleotide position 4037. The leucine at codon 1346 is replaced by glutamine, an amino acid with dissimilar properties. This amino acid position is highly conserved in available vertebrate species. In addition, this alteration is predicted to be deleterious by in silico analysis. Based on the available evidence, the clinical significance of this variant remains unclear.

Labcorp Genetics (formerly Invitae), Labcorp
Classification: Uncertain significance for Cystic fibrosis. Last evaluated: 2022-08-23. Review status: criteria provided, single submitter. Criteria: Invitae Variant Classification Sherloc (09022015). Collection method: clinical testing. Allele origin: germline.
Comment: Algorithms developed to predict the effect of missense changes on protein structure and function (SIFT, PolyPhen-2, Align-GVGD) all suggest that this variant is likely to be disruptive. This sequence change replaces leucine, which is neutral and non-polar, with glutamine, which is neutral and polar, at codon 1346 of the CFTR protein (p.Leu1346Gln). This variant is present in population databases (no rsID available, gnomAD 0.006%). This variant has not been reported in the literature in individuals affected with CFTR-related conditions. ClinVar contains an entry for this variant (Variation ID: 932918). In summary, the available evidence is currently insufficient to determine the role of this variant in disease. Therefore, it has been classified as a Variant of Uncertain Significance.

Johns Hopkins Genomics, Johns Hopkins University
Classification: Uncertain significance for Cystic fibrosis. Last evaluated: 2020-01-07. Review status: criteria provided, single submitter. Criteria: ACMG Guidelines, 2015. Collection method: clinical testing. Allele origin: germline.
Comment: CFTR c.4037>A has not been reported in the literature in patients with cystic fibrosis to our knowledge. It is absent from ClinVar. This CFTR variant (rs1313341594) is rare (<0.1%) in a large population dataset (gnomAD: 2/282570 total alleles; 0.0007%; no homozygotes). Three bioinformatic tools queried predict that this substitution would be probably be damaging and the leucine residue at this position is evolutionarily conserved in all species assessed. Due to insufficient evidence that this variant is deleterious, we consider the clinical significance of c.4037T>A to be uncertain at this time.

NM_000492.4(CFTR):c.4037T>A (p.Leu1346Gln)

Gene: CFTR (CF transmembrane conductance regulator; plus strand). Cytogenetic location: 7q31.2.
Variant type: single nucleotide variant.
Coding change: c.4037T>A on transcript NM_000492.4 (MANE Select); coding-DNA position 4037, T replaced by A.
Protein change: p.Leu1346Gln; replaces leucine 1346 with glutamine.
Molecular consequence: missense variant.
Genome position (GRCh38, 1-based): chr7:117,664,761, T>A. VCF-style: chr7-117664761-T-A. GRCh37 (hg19) VCF-style: chr7-117304815-T-A.
Other names: short protein forms L1346Q.
Identifiers: ClinVar variation 932918 (VCV000932918.8), dbSNP rs1313341594, ClinGen allele CA368982423.